The following is an entry in ClinVar:

NM_198407.2(GHSR):c.50C>A (p.Ala17Asp)

Gene: GHSR (growth hormone secretagogue receptor; minus strand). Cytogenetic location: 3q26.31.
Variant type: single nucleotide variant.
Coding change: c.50C>A on transcript NM_198407.2 (MANE Select); coding-DNA position 50, C replaced by A.
Protein change: p.Ala17Asp; replaces alanine 17 with aspartic acid.
Molecular consequence: missense variant.
Genome position (GRCh38, 1-based): chr3:172,448,364, G>T on the plus strand (C>A on the coding strand, the complement: GHSR is on the minus strand). VCF-style: chr3-172448364-G-T. GRCh37 (hg19) VCF-style: chr3-172166154-G-T.
Other names: c.50C>A, p.Ala17Asp (NM_004122.2); short protein forms A17D.
Identifiers: ClinVar variation 2764431 (VCV002764431.3), dbSNP rs369278883, ClinGen allele CA355516839.

ClinVar aggregate classification (germline): Uncertain significance (1 of 4 stars; one submission).

Allele frequency attached by ClinVar (database versions not stated): gnomAD exomes below 0.00001.
gnomAD v4.1: 2 of 1,600,710 alleles (0.00012%); highest among the groups gnomAD compares: Non-Finnish European, 0.000085%; no homozygotes.

Submission:

Labcorp Genetics (formerly Invitae), Labcorp
Classification: Uncertain significance. Last evaluated: 2024-09-23. Review status: criteria provided, single submitter. Criteria: Invitae Variant Classification Sherloc (09022015). Collection method: clinical testing. Allele origin: germline.
Comment: This sequence change replaces alanine, which is neutral and non-polar, with aspartic acid, which is acidic and polar, at codon 17 of the GHSR protein (p.Ala17Asp). This variant is not present in population databases (gnomAD no frequency). This variant has not been reported in the literature in individuals affected with GHSR-related conditions. An algorithm developed to predict the effect of missense changes on protein structure and function outputs the following: PolyPhen-2: "Benign". The aspartic acid amino acid residue is found in multiple mammalian species, which suggests that this missense change does not adversely affect protein function. In summary, the available evidence is currently insufficient to determine the role of this variant in disease. Therefore, it has been classified as a Variant of Uncertain Significance.